The following is an entry in ClinVar:

NM_001291303.3(FAT4):c.812A>G (p.Gln271Arg)

Gene: FAT4 (FAT atypical cadherin 4; plus strand). Cytogenetic location: 4q28.1.
Variant type: single nucleotide variant.
Coding change: c.812A>G on transcript NM_001291303.3 (MANE Select); coding-DNA position 812, A replaced by G.
Protein change: p.Gln271Arg; replaces glutamine 271 with arginine.
Molecular consequence: missense variant.
Genome position (GRCh38, 1-based): chr4:125,317,223, A>G. VCF-style: chr4-125317223-A-G. GRCh37 (hg19) VCF-style: chr4-126238378-A-G.
Other names: c.812A>G, p.Gln271Arg (NM_001291285.3, NM_024582.6); short protein forms Q271R.
Identifiers: ClinVar variation 1963148 (VCV001963148.2), dbSNP rs1192293175, ClinGen allele CA358116584.

ClinVar aggregate classification (germline): Uncertain significance (1 of 4 stars; one submission).

Allele frequency attached by ClinVar (database versions not stated): gnomAD exomes below 0.00001.
gnomAD v4.1: 4 of 1,583,488 alleles (0.00025%); highest among the groups gnomAD compares: Non-Finnish European, 0.00034%; no homozygotes.

Submission:

Labcorp Genetics (formerly Invitae), Labcorp
Classification: Uncertain significance. Last evaluated: 2022-06-24. Review status: criteria provided, single submitter. Criteria: Invitae Variant Classification Sherloc (09022015). Collection method: clinical testing. Allele origin: germline.
Comment: This sequence change replaces glutamine, which is neutral and polar, with arginine, which is basic and polar, at codon 271 of the FAT4 protein (p.Gln271Arg). This variant is present in population databases (no rsID available, gnomAD 0.001%). This variant has not been reported in the literature in individuals affected with FAT4-related conditions. Advanced modeling of protein sequence and biophysical properties (such as structural, functional, and spatial information, amino acid conservation, physicochemical variation, residue mobility, and thermodynamic stability) performed at Invitae indicates that this missense variant is not expected to disrupt FAT4 protein function. In summary, the available evidence is currently insufficient to determine the role of this variant in disease. Therefore, it has been classified as a Variant of Uncertain Significance.